The following is an entry in ClinVar:

NM_030665.4(RAI1):c.4545C>T (p.Pro1515=)

Gene: RAI1 (retinoic acid induced 1; plus strand). Cytogenetic location: 17p11.2.
Variant type: single nucleotide variant.
Coding change: c.4545C>T on transcript NM_030665.4 (MANE Select); coding-DNA position 4545, C replaced by T.
Protein change: p.Pro1515=; no amino-acid change (proline 1515 retained).
Molecular consequence: synonymous variant.
Genome position (GRCh38, 1-based): chr17:17,797,493, C>T. VCF-style: chr17-17797493-C-T. GRCh37 (hg19) VCF-style: chr17-17700807-C-T.
Other names: c.4545C>T (NM_030665.3).
Identifiers: ClinVar variation 1656899 (VCV001656899.9), dbSNP rs776140898, ClinGen allele CA8418977.
Genomic context (GRCh38, chr17:17,797,493, plus strand): 5'-AGGCAAGAAGCCAAAGATGGAGGAGCTGGGCCTGGCCTCCCAGCCCCCGGAGGGCAGGCC[C>T]TGCCAGCCCCAGACAAGGGCACAGAAACAGCCAGGCCACACCAACTACAGCAGCTATTCC-3'
Protein context (NP_109590.3, residues 1505-1525): GLASQPPEGR[Pro1515=]CQPQTRAQKQ

ClinVar aggregate classification (germline): Likely benign. Review status: criteria provided, multiple submitters, no conflicts (2 of 4 stars). 2 submissions from 2 submitters: Likely benign (2). Last evaluated 2025-07-06.

Conditions:
RAI1-related disorder. Also called: RAI1-related condition.

Allele frequency attached by ClinVar (database versions not stated): ExAC 0.00001; gnomAD exomes 0.00001 and 0.00002; gnomAD 0.00003 and 0.00005; TOPMed 0.00005.
gnomAD v4.1: 15 of 1,613,224 alleles (0.00093%); highest among the groups gnomAD compares: Admixed American, 0.01%; no homozygotes.

Submissions (2):

Labcorp Genetics (formerly Invitae), Labcorp
Classification: Likely benign. Last evaluated: 2025-07-06. Review status: criteria provided, single submitter. Criteria: Invitae Variant Classification Sherloc (09022015). Collection method: clinical testing. Allele origin: germline.

PreventionGenetics, part of Exact Sciences
Classification: Likely benign for RAI1-related condition. Last evaluated: 2024-12-17. Review status: criteria provided, single submitter. Criteria: ACMG Guidelines, 2015. Collection method: clinical testing. Allele origin: germline.
Comment: This variant is classified as likely benign based on ACMG/AMP sequence variant interpretation guidelines (Richards et al. 2015 PMID: 25741868, with internal and published modifications).